The following is an entry in ClinVar:

ClinVar aggregate classification (germline): Uncertain significance. Review status: criteria provided, multiple submitters, no conflicts (2 of 4 stars). 2 submissions from 2 submitters: Uncertain significance (2). Last evaluated 2023-05-22.

Conditions:
Myasthenic syndrome, congenital, 22 (CMS22). Also called: PREPL DEFICIENCY. Identifiers: MedGen C4479088, MONDO:0044299, OMIM 616224.

Allele frequency attached by ClinVar (database versions not stated): gnomAD exomes 0.00001; TOPMed below 0.00001.
gnomAD v4.1: 13 of 1,613,582 alleles (0.00081%); highest among the groups gnomAD compares: South Asian, 0.013%; no homozygotes.

Submissions (2):

Mayo Clinic Laboratories, Mayo Clinic
Classification: Uncertain significance. Last evaluated: 2023-05-22. Review status: criteria provided, single submitter. Criteria: ACMG Guidelines, 2015. Collection method: clinical testing. Allele origin: germline. Observed: 1 variant allele.
Comment: PM2

HudsonAlpha Institute for Biotechnology
Classification: Uncertain significance for Myasthenic syndrome, congenital, 22. Last evaluated: 2021-01-25. Review status: criteria provided, single submitter. Criteria: ACMG Guidelines, 2015. Collection method: research. Allele origin: inherited. Observed: 1 variant allele. Study: CSER-SouthSeq.
Comment: ACMG codes:PM2, PP3

NM_001171613.2(PREPL):c.1244T>C (p.Leu415Ser)

Gene: PREPL (prolyl endopeptidase like; minus strand). Cytogenetic location: 2p21.
Variant type: single nucleotide variant.
Coding change: c.1244T>C on transcript NM_001171613.2 (MANE Select); coding-DNA position 1244, T replaced by C.
Protein change: p.Leu415Ser; replaces leucine 415 with serine.
Molecular consequence: missense variant.
Genome position (GRCh38, 1-based): chr2:44,328,955, A>G on the plus strand (T>C on the coding strand, the complement: PREPL is on the minus strand). VCF-style: chr2-44328955-A-G. GRCh37 (hg19) VCF-style: chr2-44556094-A-G.
Other names: p.Leu504Ser; c.1325T>C, p.Leu442Ser (NM_001042385.2); c.1313T>C, p.Leu438Ser (NM_001042386.2); c.1511T>C, p.Leu504Ser (NM_001171603.1, NM_001171606.2, NM_001374275.1 and 2 more transcripts); c.1244T>C, p.Leu415Ser (NM_001171617.1, NM_001374277.1); short protein forms L415S, L438S, L442S, L504S.
Identifiers: ClinVar variation 998170 (VCV000998170.2), dbSNP rs1430753619, ClinGen allele CA346690393.